The following is an entry in ClinVar:

NM_003055.3(SLC18A3):c.1109G>T (p.Ser370Ile)

Genes: CHAT (choline O-acetyltransferase; plus strand), SLC18A3 (solute carrier family 18 member A3; plus strand). Cytogenetic location: 10q11.23.
Variant type: single nucleotide variant.
Coding change: c.1109G>T on transcript NM_003055.3 (MANE Select); coding-DNA position 1109, G replaced by T.
Protein change: p.Ser370Ile; replaces serine 370 with isoleucine.
Molecular consequence: missense variant. On other transcripts: intron variant (1).
Genome position (GRCh38, 1-based): chr10:49,611,849, G>T. VCF-style: chr10-49611849-G-T. GRCh37 (hg19) VCF-style: chr10-50819895-G-T.
Other names: c.-69+2650G>T (NM_020984.4); short protein forms S370I.
Identifiers: ClinVar variation 1902431 (VCV001902431.4), dbSNP rs776627836, ClinGen allele CA376722064.

ClinVar aggregate classification (germline): Uncertain significance (1 of 4 stars; one submission).

gnomAD v4.1: 4 of 1,605,364 alleles (0.00025%); highest among the groups gnomAD compares: Non-Finnish European, 0.00034%; no homozygotes.

Submission:

Labcorp Genetics (formerly Invitae), Labcorp
Classification: Uncertain significance. Last evaluated: 2022-05-19. Review status: criteria provided, single submitter. Criteria: Invitae Variant Classification Sherloc (09022015). Collection method: clinical testing. Allele origin: germline.
Comment: In summary, the available evidence is currently insufficient to determine the role of this variant in disease. Therefore, it has been classified as a Variant of Uncertain Significance. This sequence change replaces serine, which is neutral and polar, with isoleucine, which is neutral and non-polar, at codon 370 of the SLC18A3 protein (p.Ser370Ile). This variant is not present in population databases (gnomAD no frequency). This variant has not been reported in the literature in individuals affected with SLC18A3-related conditions. Algorithms developed to predict the effect of missense changes on protein structure and function (SIFT, PolyPhen-2, Align-GVGD) all suggest that this variant is likely to be disruptive.